The following is an entry in ClinVar:

ClinVar aggregate classification (germline): Uncertain significance (1 of 4 stars; one submission).

Submission:

Ambry Genetics
Classification: Uncertain significance. Last evaluated: 2026-06-19. Review status: criteria provided, single submitter. Criteria: Ambry Variant Classification Scheme 2023. Collection method: clinical testing. Allele origin: germline.
Comment: The p.G36D variant (also known as c.107G>A), located in coding exon 1 of the ATRIP gene, results from a G to A substitution at nucleotide position 107. The glycine at codon 36 is replaced by aspartic acid, an amino acid with similar properties. This amino acid position is conserved. In addition, this alteration is predicted to be tolerated by in silico analysis. Based on the available evidence, the clinical significance of this variant remains unclear.

NM_130384.3(ATRIP):c.107G>A (p.Gly36Asp)

Genes: ATRIP (ATR interacting protein; plus strand), ATRIP-TREX1 (ATRIP-TREX1 readthrough; plus strand), LOC129936703 (ATAC-STARR-seq lymphoblastoid silent region 14331; plus strand). Cytogenetic location: 3p21.31.
Variant type: single nucleotide variant.
Coding change: c.107G>A on transcript NM_130384.3 (MANE Select); coding-DNA position 107, G replaced by A.
Protein change: p.Gly36Asp; replaces glycine 36 with aspartic acid.
Molecular consequence: missense variant. On other transcripts: non-coding transcript variant (1), intron variant (1).
Genome position (GRCh38, 1-based): chr3:48,446,952, G>A. VCF-style: chr3-48446952-G-A. GRCh37 (hg19) VCF-style: chr3-48488356-G-A.
Other names: c.107G>A, p.Gly36Asp (NM_032166.4); c.-218+153G>A (NM_001271022.2); short protein forms G36D.
Identifiers: ClinVar variation 5032406 (VCV005032406.1).